The following is an entry in ClinVar:

ClinVar aggregate classification (germline): Uncertain significance (1 of 4 stars; one submission).

Conditions:
Charcot-Marie-Tooth disease type 2. Also called: Charcot-Marie-Tooth type 2. Identifiers: Orphanet 64746, MedGen C0270914, MONDO:0018993.

gnomAD v4.1: 2 of 1,614,070 alleles (0.00012%); highest among the groups gnomAD compares: Admixed American, 0.0017%; no homozygotes.

Submission:

Labcorp Genetics (formerly Invitae), Labcorp
Classification: Uncertain significance for Charcot-Marie-Tooth disease type 2. Last evaluated: 2024-10-29. Review status: criteria provided, single submitter. Criteria: Invitae Variant Classification Sherloc (09022015). Collection method: clinical testing. Allele origin: germline.
Comment: This sequence change replaces arginine, which is basic and polar, with glycine, which is neutral and non-polar, at codon 418 of the MFN2 protein (p.Arg418Gly). This variant is not present in population databases (gnomAD no frequency). This variant has not been reported in the literature in individuals affected with MFN2-related conditions. ClinVar contains an entry for this variant (Variation ID: 3020284). Invitae Evidence Modeling of protein sequence and biophysical properties (such as structural, functional, and spatial information, amino acid conservation, physicochemical variation, residue mobility, and thermodynamic stability) has been performed for this missense variant. However, the output from this modeling did not meet the statistical confidence thresholds required to predict the impact of this variant on MFN2 protein function. In summary, the available evidence is currently insufficient to determine the role of this variant in disease. Therefore, it has been classified as a Variant of Uncertain Significance.

NM_014874.4(MFN2):c.1252C>G (p.Arg418Gly)

Gene: MFN2 (mitofusin 2; plus strand). Cytogenetic location: 1p36.22.
Variant type: single nucleotide variant.
Coding change: c.1252C>G on transcript NM_014874.4 (MANE Select); coding-DNA position 1252, C replaced by G.
Protein change: p.Arg418Gly; replaces arginine 418 with glycine.
Molecular consequence: missense variant.
Genome position (GRCh38, 1-based): chr1:12,004,083, C>G. VCF-style: chr1-12004083-C-G. GRCh37 (hg19) VCF-style: chr1-12064140-C-G.
Other names: c.1252C>G, p.Arg418Gly (NM_001127660.2); short protein forms R418G.
Identifiers: ClinVar variation 3020284 (VCV003020284.3), dbSNP rs1057517987, ClinGen allele CA338445295.